The following is an entry in ClinVar:

ClinVar aggregate classification (germline): Likely pathogenic. Review status: criteria provided, multiple submitters, no conflicts (2 of 4 stars). 2 submissions from 2 submitters: Likely pathogenic (2). Last evaluated 2024-07-14.

Conditions:
Macrocephaly, neurodevelopmental delay, lymphoid hyperplasia, and persistent fetal hemoglobin (MNDLFH). Identifiers: Orphanet 694956, MedGen C5676928, MONDO:0859231, OMIM 619769.

Submissions (2):

GeneDx
Classification: Likely pathogenic. Last evaluated: 2024-07-14. Review status: criteria provided, single submitter. Criteria: GeneDx Variant Classification Process June 2021. Collection method: clinical testing. Allele origin: germline. Affected: yes.
Comment: Nonsense variant predicted to result in protein truncation as the last 175 amino acids are lost, although loss-of-function variants have not been reported downstream of this position in the protein; Not observed at significant frequency in large population cohorts (gnomAD); Has not been previously published as pathogenic or benign to our knowledge

Genetics Laboratory, UDIAT-Centre Diagnòstic, Hospital Universitari Parc Tauli
Classification: Likely pathogenic for macrocephaly, neurodevelopmental delay, lymphoid hyperplasia, and persistent fetal hemoglobin. Last evaluated: 2023-02-27. Review status: criteria provided, single submitter. Criteria: ACMG Guidelines, 2015. Collection method: clinical testing. Allele origin: unknown. Inheritance: Autosomal dominant inheritance. Affected: yes.
Comment: PVS1_very strong;PM2_supporting

NM_015898.4(ZBTB7A):c.1230C>A (p.Tyr410Ter)

Gene: ZBTB7A (zinc finger and BTB domain containing 7A; minus strand). Cytogenetic location: 19p13.3.
Variant type: single nucleotide variant.
Coding change: c.1230C>A on transcript NM_015898.4 (MANE Select); coding-DNA position 1230, C replaced by A.
Protein change: p.Tyr410Ter; replaces tyrosine 410 with a stop codon.
Molecular consequence: nonsense.
Genome position (GRCh38, 1-based): chr19:4,054,003, G>T on the plus strand (C>A on the coding strand, the complement: ZBTB7A is on the minus strand). VCF-style: chr19-4054003-G-T. GRCh37 (hg19) VCF-style: chr19-4054001-G-T.
Other names: c.1230C>A, p.Tyr410Ter (NM_001317990.2); short protein forms Y410*.
Identifiers: ClinVar variation 3573594 (VCV003573594.2).